The following is an entry in ClinVar:

NM_000071.3(CBS):c.874_875delinsTT (p.Glu292Leu)

Gene: CBS (cystathionine beta-synthase; minus strand). Cytogenetic location: 21q22.3.
Variant type: Indel.
Coding change: c.874_875delinsTT on transcript NM_000071.3 (MANE Select); coding-DNA positions 874 to 875, GA replaced by TT.
Protein change: p.Glu292Leu; replaces glutamic acid 292 with leucine.
Molecular consequence: missense variant.
Genome position (GRCh38, 1-based): chr21:43,063,032-43,063,033, TC replaced by AA on the plus strand (GA replaced by TT on the coding strand, the reverse complement: CBS is on the minus strand). VCF-style: chr21-43063032-TC-AA. GRCh37 (hg19) VCF-style: chr21-44483142-TC-AA.
Other names: c.874_875delGAinsTT (NM_000071.2); c.874_875delinsTT, p.Glu292Leu (NM_001178008.3, NM_001178009.3, NM_001320298.2); c.559_560delinsTT, p.Glu187Leu (NM_001321072.1); short protein forms E292L, E187L.
Identifiers: ClinVar variation 421504 (VCV000421504.3), dbSNP rs1064795178, ClinGen allele CA16621015.
Genomic context (GRCh38, chr21:43,063,032, plus strand): 5'-GGGATGAAGTCGTAGCCGATCCCTTCCACCTCGTAGGTTGTCTGCTCCGTCTGGTTCAGC[TC>AA]CTCCGGCTCTGCGAGGATGGACCCTTCGGGATCCACCCCAATGATCTGCAGAGGGCGCGG-3'
Protein context (NP_000062.1, residues 282-302): PEGSILAEPE[Glu292Leu]LNQTEQTTYE

ClinVar aggregate classification (germline): Uncertain significance. Review status: criteria provided, multiple submitters, no conflicts (2 of 4 stars). 3 submissions from 3 submitters: Uncertain significance (3). Last evaluated 2025-08-26.

Conditions:
Classic homocystinuria. Also called: Homocystinuria due to Cystathionine Beta-Synthase Deficiency; HOMOCYSTINURIA WITH OR WITHOUT RESPONSE TO PYRIDOXINE; Homocystinuria due to CBS deficiency; Cystathionine beta-synthase deficiency; CBS deficiency. Identifiers: Orphanet 394, MedGen C0751202, MONDO:0009352, OMIM 236200.
HYPERHOMOCYSTEINEMIA, THROMBOTIC, CBS-RELATED. Identifiers: MedGen C3150344, OMIM 236200.

Submissions (3):

Labcorp Genetics (formerly Invitae), Labcorp
Classification: Uncertain significance for HYPERHOMOCYSTEINEMIA, THROMBOTIC, CBS-RELATED. Last evaluated: 2025-08-26. Review status: criteria provided, single submitter. Criteria: Invitae Variant Classification Sherloc (09022015). Collection method: clinical testing. Allele origin: germline.
Comment: This sequence change replaces glutamic acid, which is acidic and polar, with leucine, which is neutral and non-polar, at codon 292 of the CBS protein (p.Glu292Leu). This variant is present in population databases (no rsID available, gnomAD 0.002%). This variant has not been reported in the literature in individuals affected with CBS-related conditions. ClinVar contains an entry for this variant (Variation ID: 421504). An algorithm developed to predict the effect of missense changes on protein structure and function (PolyPhen-2) suggests that this variant is likely to be tolerated. In summary, the available evidence is currently insufficient to determine the role of this variant in disease. Therefore, it has been classified as a Variant of Uncertain Significance.

Clinical Genomics Laboratory, Washington University in St. Louis
Classification: Uncertain significance for Classic homocystinuria. Last evaluated: 2023-11-14. Review status: criteria provided, single submitter. Criteria: ACMG Guidelines, 2015. Collection method: clinical testing. Allele origin: germline.
Comment: The CBS c.874_875delinsTT (p.Glu292Leu) variant, to our knowledge, has not been reported in the medical literature and is absent from the general population (gnomAD v.2.1.1), indicating it is not a common variant. Computational predictors are uncertain as to the impact of this variant on CBS function. This variant has been reported in the ClinVar database as a variant of uncertain significance by one submitter (ClinVar Variation ID: 421504). Due to limited information, and based on ACMG/AMP guidelines for variant interpretation (Richards S et al., PMID: 25741868), the clinical significance of this variant is uncertain at this time.

GeneDx
Classification: Uncertain significance. Last evaluated: 2016-06-20. Review status: criteria provided, single submitter. Criteria: GeneDx Variant Classification (06012015). Collection method: clinical testing. Allele origin: germline. Affected: yes.
Comment: The c.874_875delGAinsTT variant results in the deletion of two nucleotides and the insertion of two incorrect nucleotides, causing a substitution of Leucine for Glutamic acid at codon 292, denoted as p.Glu292Leu. The c.874_875delGAinsTT variant was not observed in approximately 6500 individuals of European and African American ancestry in the NHLBI Exome Sequencing Project, indicating it is not a common benign variant in these populations. This is variant results in a non-conservative amino acid substitution, which is likely to impact secondary protein structure as these residues differ in polarity, charge, size and/or other properties. This substitution occurs at a position that is conserved in mammals. In silico analysis is inconsistent in its predictions as to whether or not the variant is damaging to the protein structure/function. As an alternate mechanism, some splice predictor models indicate that this sequence change may strengthen a cryptic splice acceptor site downstream of the natural splice acceptor site of intron 9, which may result in abnormal gene splicing. We interpret c.874_875delGAinsTT as a variant of uncertain significance.